The following is an entry in ClinVar:

ClinVar aggregate classification (germline): Uncertain significance (1 of 4 stars; one submission).

Conditions:
Cholestanol storage disease (CTX). Also called: CEREBRAL CHOLESTERINOSIS; Cerebrotendinous Xanthomatosis; CTX: Cerebrotendinous xanthomatosis. Identifiers: Orphanet 909, MedGen C0238052, MONDO:0008948, OMIM 213700.

gnomAD v4.1: 2 of 1,614,102 alleles (0.00012%); highest among the groups gnomAD compares: South Asian, 0.0011%; no homozygotes.

Submission:

Labcorp Genetics (formerly Invitae), Labcorp
Classification: Uncertain significance for Cholestanol storage disease. Last evaluated: 2022-03-01. Review status: criteria provided, single submitter. Criteria: Invitae Variant Classification Sherloc (09022015). Collection method: clinical testing. Allele origin: germline.
Comment: This sequence change replaces asparagine, which is neutral and polar, with serine, which is neutral and polar, at codon 250 of the CYP27A1 protein (p.Asn250Ser). This variant is not present in population databases (gnomAD no frequency). This variant has not been reported in the literature in individuals affected with CYP27A1-related conditions. Advanced modeling of protein sequence and biophysical properties (such as structural, functional, and spatial information, amino acid conservation, physicochemical variation, residue mobility, and thermodynamic stability) performed at Invitae indicates that this missense variant is not expected to disrupt CYP27A1 protein function. In summary, the available evidence is currently insufficient to determine the role of this variant in disease. Therefore, it has been classified as a Variant of Uncertain Significance.

NM_000784.4(CYP27A1):c.749A>G (p.Asn250Ser)

Gene: CYP27A1 (cytochrome P450 family 27 subfamily A member 1; plus strand). Cytogenetic location: 2q35.
Variant type: single nucleotide variant.
Coding change: c.749A>G on transcript NM_000784.4 (MANE Select); coding-DNA position 749, A replaced by G.
Protein change: p.Asn250Ser; replaces asparagine 250 with serine.
Molecular consequence: missense variant.
Genome position (GRCh38, 1-based): chr2:218,812,654, A>G. VCF-style: chr2-218812654-A-G. GRCh37 (hg19) VCF-style: chr2-219677377-A-G.
Other names: short protein forms N250S.
Identifiers: ClinVar variation 2104884 (VCV002104884.1), dbSNP rs775885419, ClinGen allele CA350586814.